The following is an entry in ClinVar:

ClinVar aggregate classification (germline): Conflicting classifications of pathogenicity. Review status: criteria provided, conflicting classifications (1 of 4 stars). 2 submissions from 2 submitters: Uncertain significance (1); Likely benign (1). Last evaluated 2023-05-01.

Conditions:
Congenital muscular hypertrophy-cerebral syndrome (CDLS2). Also called: Cornelia de Lange syndrome 2; SMC1A-Related Cornelia de Lange Syndrome. Identifiers: Orphanet 199, MedGen C1802395, MONDO:0010370, OMIM 300590.

Allele frequency attached by ClinVar (database versions not stated): 1000 Genomes Project 30x 0.00042; 1000 Genomes Project 0.00053; gnomAD 0.00091 and 0.00092; TOPMed 0.00113.

Submissions (2):

CeGaT Center for Human Genetics Tuebingen
Classification: Likely benign. Last evaluated: 2023-05-01. Review status: criteria provided, single submitter. Criteria: CeGaT Center For Human Genetics Tuebingen Variant Classification Criteria Version 2. Collection method: clinical testing. Allele origin: germline. Affected: yes. Observed: 2 variant alleles.
Comment: SMC1A: BS2

Illumina Laboratory Services, Illumina
Classification: Uncertain significance for Congenital muscular hypertrophy-cerebral syndrome. Last evaluated: 2018-01-12. Review status: criteria provided, single submitter. Criteria: ICSL Variant Classification Criteria 13 December 2019. Collection method: clinical testing. Allele origin: germline.

NM_006306.4(SMC1A):c.*2609A>C

Gene: SMC1A (structural maintenance of chromosomes 1A; minus strand). Cytogenetic location: Xp11.22.
Variant type: single nucleotide variant.
Coding change: c.*2609A>C on transcript NM_006306.4 (MANE Select); 2609 bases downstream of the stop codon, A replaced by C.
Molecular consequence: 3 prime UTR variant.
Genome position (GRCh38, 1-based): chrX:53,377,494, T>G on the plus strand (A>C on the coding strand, the complement: SMC1A is on the minus strand). VCF-style: chrX-53377494-T-G. GRCh37 (hg19) VCF-style: chrX-53404415-T-G.
Other names: c.*2609A>C (NM_001281463.1).
Identifiers: ClinVar variation 368568 (VCV000368568.29), dbSNP rs192734396, ClinGen allele CA10646323.